The following is an entry in ClinVar:

ClinVar aggregate classification (germline): Uncertain significance. Review status: criteria provided, multiple submitters, no conflicts (2 of 4 stars). 2 submissions from 2 submitters: Uncertain significance (2). Last evaluated 2024-01-22.

Conditions:
Focal segmental glomerulosclerosis 6 (FSGS6). Identifiers: Orphanet 656, MedGen C3279905, MONDO:0013589, OMIM 614131.

Allele frequency attached by ClinVar (database versions not stated): gnomAD 0.00001; gnomAD exomes 0.00001; ExAC 0.00002.
gnomAD v4.1: 15 of 1,611,822 alleles (0.00093%); highest among the groups gnomAD compares: East Asian, 0.0089%; 1 homozygote.

Submissions (2):

Fulgent Genetics
Classification: Uncertain significance for Focal segmental glomerulosclerosis 6. Last evaluated: 2024-01-22. Review status: criteria provided, single submitter. Criteria: ACMG Guidelines, 2015. Collection method: clinical testing. Allele origin: germline.

Labcorp Genetics (formerly Invitae), Labcorp
Classification: Uncertain significance. Last evaluated: 2022-07-18. Review status: criteria provided, single submitter. Criteria: Invitae Variant Classification Sherloc (09022015). Collection method: clinical testing. Allele origin: germline.
Comment: Algorithms developed to predict the effect of missense changes on protein structure and function are either unavailable or do not agree on the potential impact of this missense change (SIFT: "Deleterious"; PolyPhen-2: "Benign"; Align-GVGD: "Class C25"). In summary, the available evidence is currently insufficient to determine the role of this variant in disease. Therefore, it has been classified as a Variant of Uncertain Significance. ClinVar contains an entry for this variant (Variation ID: 1022706). This variant has not been reported in the literature in individuals affected with MYO1E-related conditions. This variant is present in population databases (rs763406965, gnomAD 0.006%). This sequence change replaces isoleucine, which is neutral and non-polar, with valine, which is neutral and non-polar, at codon 405 of the MYO1E protein (p.Ile405Val).

NM_004998.4(MYO1E):c.1213A>G (p.Ile405Val)

Gene: MYO1E (myosin IE; minus strand). Cytogenetic location: 15q22.2.
Variant type: single nucleotide variant.
Coding change: c.1213A>G on transcript NM_004998.4 (MANE Select); coding-DNA position 1213, A replaced by G.
Protein change: p.Ile405Val; replaces isoleucine 405 with valine.
Molecular consequence: missense variant.
Genome position (GRCh38, 1-based): chr15:59,214,290, T>C on the plus strand (A>G on the coding strand, the complement: MYO1E is on the minus strand). VCF-style: chr15-59214290-T-C. GRCh37 (hg19) VCF-style: chr15-59506489-T-C.
Other names: short protein forms I405V.
Identifiers: ClinVar variation 1022706 (VCV001022706.9), dbSNP rs763406965, ClinGen allele CA7590008.
Genomic context (GRCh38, chr15:59,214,290, plus strand): 5'-GTTCTGCCTTTAATGTCAGTTCAATAAAAATCTGCTGCAGTTTTTCATTAACAAAATTGA[T>C]ACAAAACTGTTCAAAGCCATTTTTCTGGAAAAAAAAAGTTATTCACATGTAATTCTTTCA-3'
Protein context (NP_004989.2, residues 395-415): FQKNGFEQFC[Ile405Val]NFVNEKLQQI